The following is an entry in ClinVar:

ClinVar aggregate classification (germline): Likely benign. Review status: criteria provided, multiple submitters, no conflicts (2 of 4 stars). 2 submissions from 2 submitters: Likely benign (2). Last evaluated 2026-09-01.

gnomAD v4.1: 3,840 of 1,478,234 alleles (0.26%); highest among the groups gnomAD compares: Middle Eastern, 0.71%; 10 homozygotes.

Submissions (2):

CeGaT Center for Human Genetics Tuebingen
Classification: Likely benign. Last evaluated: 2026-09-01. Review status: criteria provided, single submitter. Criteria: CeGaT Center For Human Genetics Tuebingen Variant Classification Criteria Version 2. Collection method: clinical testing. Allele origin: germline. Affected: yes. Observed: 3 variant alleles.
Comment: TANGO2: BP4, BP7

Blueprint Genetics
Classification: Likely benign. Last evaluated: 2024-11-28. Review status: criteria provided, single submitter. Criteria: ACMG Guidelines, 2015. Collection method: clinical testing. Allele origin: germline.

NM_152906.7(TANGO2):c.710+55T>C

Gene: TANGO2 (transport and golgi organization 2 homolog; plus strand). Cytogenetic location: 22q11.21.
Variant type: single nucleotide variant.
Coding change: c.710+55T>C on transcript NM_152906.7 (MANE Select); 55 bases into the intron after coding-DNA position 710, T replaced by C.
Molecular consequence: intron variant. On other transcripts: synonymous variant (6).
Genome position (GRCh38, 1-based): chr22:20,063,497, T>C. VCF-style: chr22-20063497-T-C. GRCh37 (hg19) VCF-style: chr22-20051020-T-C.
Other names: c.888T>C, p.Ala296= (NM_001322141.2); c.765T>C, p.Ala255= (NM_001322142.2); c.663T>C, p.Ala221= (NM_001322146.2); c.471T>C, p.Ala157= (NM_001322150.2, NM_001322153.2, NM_001322155.2); c.710+55T>C (NM_001283106.3, NM_001283116.3); c.524+55T>C (NM_001322163.2, NM_001283179.3, NM_001322167.2 and 2 more transcripts); c.416+55T>C (NM_001322174.2, NM_001322172.2, NM_001322175.2 and 3 more transcripts); c.606+55T>C (NM_001322160.2); and 9 more.
Identifiers: ClinVar variation 3770587 (VCV003770587.14).